The following is an entry in ClinVar:

NM_000481.4(AMT):c.224del (p.His75fs)

Gene: AMT (aminomethyltransferase; minus strand). Cytogenetic location: 3p21.31.
Variant type: Deletion.
Coding change: c.224del on transcript NM_000481.4 (MANE Select); coding-DNA position 224, one base deleted (A; older notation c.224delA).
Protein change: p.His75fs; shifts the reading frame from histidine 75.
Molecular consequence: frameshift variant. On other transcripts: non-coding transcript variant (1), intron variant (1).
Genome position (GRCh38, 1-based): chr3:49,422,138, T deleted on the plus strand (A on the coding strand, the reverse complement: AMT is on the minus strand). VCF-style (leftmost placement, unchanged base first): chr3-49422137-GT-G. GRCh37 (hg19) VCF-style: chr3-49459570-GT-G.
Other names: c.224del, p.His75fs (NM_001164710.2, NM_001164712.2); c.90+223del (NM_001164711.2); short protein forms H75fs.
Identifiers: ClinVar variation 1357114 (VCV001357114.7), dbSNP rs2107937352, ClinGen allele CA2573137087.
Genomic context (GRCh38, chr3:49,422,137, plus strand): 5'-GATGGCCAGTGTGCTCCCCTGGCTCACCTGCAGCATATGAGACACGTCAAAGAGCGAGCA[GT>G]GCTGGCGTGTGTGCAGGTGCGAGTCAGTGTGACTGTCCCGGTACTGCACTGGCAGACTCC-3'

ClinVar aggregate classification (germline): Pathogenic/Likely pathogenic. Review status: criteria provided, multiple submitters, no conflicts (2 of 4 stars). 2 submissions from 2 submitters: Pathogenic (1); Likely pathogenic (1). Last evaluated 2024-06-24.

Conditions:
Glycine encephalopathy 2 (GCE2). Identifiers: MedGen C5830559, MONDO:0958192, OMIM 620398.
Glycine encephalopathy. Also called: Nonketotic hyperglycinemia; Non-ketotic hyperglycinemia. Identifiers: Orphanet 407, MedGen C0751748, MONDO:0011612, HP:0008288.

Allele frequency attached by ClinVar (database versions not stated): gnomAD exomes 0.00001.

Submissions (2):

Fulgent Genetics
Classification: Likely pathogenic for Glycine encephalopathy 2. Last evaluated: 2024-06-24. Review status: criteria provided, single submitter. Criteria: ACMG Guidelines, 2015. Collection method: clinical testing. Allele origin: germline.

Labcorp Genetics (formerly Invitae), Labcorp
Classification: Pathogenic for Glycine encephalopathy. Last evaluated: 2021-10-02. Review status: criteria provided, single submitter. Criteria: Invitae Variant Classification Sherloc (09022015). Collection method: clinical testing. Allele origin: germline.
Comment: For these reasons, this variant has been classified as Pathogenic. This variant has not been reported in the literature in individuals affected with AMT-related conditions. This variant is not present in population databases (ExAC no frequency). This sequence change creates a premature translational stop signal (p.His75Profs*21) in the AMT gene. It is expected to result in an absent or disrupted protein product. Loss-of-function variants in AMT are known to be pathogenic (PMID: 16450403).

Literature cited by the submitters: PubMed 16450403 (cited by Labcorp Genetics (formerly Invitae), Labcorp).